The following is an entry in ClinVar:

NM_004752.4(GCM2):c.1247A>G (p.Tyr416Cys)

Gene: GCM2 (glial cells missing transcription factor 2; minus strand). Cytogenetic location: 6p24.2.
Variant type: single nucleotide variant.
Coding change: c.1247A>G on transcript NM_004752.4 (MANE Select); coding-DNA position 1247, A replaced by G.
Protein change: p.Tyr416Cys; replaces tyrosine 416 with cysteine.
Molecular consequence: missense variant.
Genome position (GRCh38, 1-based): chr6:10,874,269, T>C on the plus strand (A>G on the coding strand, the complement: GCM2 is on the minus strand). VCF-style: chr6-10874269-T-C. GRCh37 (hg19) VCF-style: chr6-10874502-T-C.
Other names: short protein forms Y416C.
Identifiers: ClinVar variation 3592945 (VCV003592945.4).

ClinVar aggregate classification (germline): Uncertain significance. Review status: criteria provided, multiple submitters, no conflicts (2 of 4 stars). 3 submissions from 3 submitters: Uncertain significance (3). Last evaluated 2025-12-12.

Conditions:
Hyperparathyroidism 4 (HRPT4). Identifiers: MedGen C4479229, MONDO:0024570, OMIM 617343.
Hypoparathyroidism, familial isolated, 2. Identifiers: MedGen C5394383, MONDO:0020798, OMIM 618883.

gnomAD v4.1: 50 of 1,614,120 alleles (0.0031%); highest among the groups gnomAD compares: Non-Finnish European, 0.0041%; no homozygotes.

Submissions (3):

Labcorp Genetics (formerly Invitae), Labcorp
Classification: Uncertain significance. Last evaluated: 2025-12-12. Review status: criteria provided, single submitter. Criteria: Invitae Variant Classification Sherloc (09022015). Collection method: clinical testing. Allele origin: germline.
Comment: This sequence change replaces tyrosine, which is neutral and polar, with cysteine, which is neutral and slightly polar, at codon 416 of the GCM2 protein (p.Tyr416Cys). This variant is present in population databases (rs771107707, gnomAD 0.007%). This missense change has been observed in individual(s) with hyperparathyroidism (PMID: 33471711). ClinVar contains an entry for this variant (Variation ID: 3592945). Invitae Evidence Modeling of protein sequence and biophysical properties (such as structural, functional, and spatial information, amino acid conservation, physicochemical variation, residue mobility, and thermodynamic stability) indicates that this missense variant is expected to disrupt GCM2 protein function with a positive predictive value of 80%. Experimental studies have shown that this missense change does not substantially affect GCM2 function (PMID: 33471711). In summary, the available evidence is currently insufficient to determine the role of this variant in disease. Therefore, it has been classified as a Variant of Uncertain Significance.

Women's Health and Genetics/Laboratory Corporation of America, LabCorp
Classification: Uncertain significance. Last evaluated: 2025-04-21. Review status: criteria provided, single submitter. Criteria: LabCorp Variant Classification Summary - May 2015. Collection method: clinical testing. Allele origin: germline.
Comment: Variant summary: GCM2 c.1247A>G (p.Tyr416Cys) results in a non-conservative amino acid change in the encoded protein sequence. Four of five in-silico tools predict a benign effect of the variant on protein function. The variant allele was found at a frequency of 3.2e-05 in 251452 control chromosomes (gnomAD). The available data on variant occurrences in the general population are insufficient to allow any conclusion about variant significance. c.1247A>G has been observed in one individual affected with hyperparathyroidism (Song_2020). The report does not provide unequivocal conclusions about association of the variant with Familial Hypoparathyroidism. To our knowledge, no experimental evidence demonstrating an impact on protein function has been reported. The following publication have been ascertained in the context of this evaluation (PMID: 33471711). No submitters have cited clinical-significance assessments for this variant to ClinVar. Based on the evidence outlined above, the variant was classified as uncertain significance.

Fulgent Genetics
Classification: Uncertain significance for Hyperparathyroidism 4; Hypoparathyroidism, familial isolated, 2. Last evaluated: 2024-03-07. Review status: criteria provided, single submitter. Criteria: ACMG Guidelines, 2015. Collection method: clinical testing. Allele origin: germline.

Literature cited by the submitters: PubMed 33471711 (cited by Labcorp Genetics (formerly Invitae), Labcorp and Women's Health and Genetics/Laboratory Corporation of America, LabCorp).